The following is an entry in ClinVar:

ClinVar aggregate classification (germline): Uncertain significance (1 of 4 stars; one submission).

Conditions:
Intellectual disability, CASK-related, X-linked. Identifiers: MedGen CN043158.

gnomAD v4.1: 1 of 1,209,041 alleles (0.000083%); no homozygotes.

Submission:

Labcorp Genetics (formerly Invitae), Labcorp
Classification: Uncertain significance for Intellectual disability, CASK-related, X-linked. Last evaluated: 2023-10-28. Review status: criteria provided, single submitter. Criteria: Invitae Variant Classification Sherloc (09022015). Collection method: clinical testing. Allele origin: germline.
Comment: This sequence change replaces threonine, which is neutral and polar, with serine, which is neutral and polar, at codon 597 of the CASK protein (p.Thr597Ser). This variant is not present in population databases (gnomAD no frequency). This variant has not been reported in the literature in individuals affected with CASK-related conditions. Advanced modeling of protein sequence and biophysical properties (such as structural, functional, and spatial information, amino acid conservation, physicochemical variation, residue mobility, and thermodynamic stability) has been performed at Invitae for this missense variant, however the output from this modeling did not meet the statistical confidence thresholds required to predict the impact of this variant on CASK protein function. In summary, the available evidence is currently insufficient to determine the role of this variant in disease. Therefore, it has been classified as a Variant of Uncertain Significance.

NM_001367721.1(CASK):c.1790C>G (p.Thr597Ser)

Gene: CASK (calcium/calmodulin dependent serine protein kinase; minus strand). Cytogenetic location: Xp11.4.
Variant type: single nucleotide variant.
Coding change: c.1790C>G on transcript NM_001367721.1 (MANE Select); coding-DNA position 1790, C replaced by G.
Protein change: p.Thr597Ser; replaces threonine 597 with serine.
Molecular consequence: missense variant. On other transcripts: intron variant (2).
Genome position (GRCh38, 1-based): chrX:41,557,048, G>C on the plus strand (C>G on the coding strand, the complement: CASK is on the minus strand). VCF-style: chrX-41557048-G-C. GRCh37 (hg19) VCF-style: chrX-41416301-G-C.
Other names: c.1772C>G, p.Thr591Ser (NM_001410745.1); c.1790C>G, p.Thr597Ser (NM_003688.4); c.1720-1413C>G (NM_001126055.3); c.1738-1413C>G (NM_001126054.3); short protein forms T591S, T597S.
Identifiers: ClinVar variation 2772197 (VCV002772197.3), dbSNP rs2065168093, ClinGen allele CA412994168.